The following is an entry in ClinVar:

ClinVar aggregate classification (germline): Uncertain significance (1 of 4 stars; one submission).

Conditions:
Primary dilated cardiomyopathy (DCM). Also called: Dilated Cardiomyopathy. Identifiers: Orphanet 217604, MedGen C0007193, MeSH D002311, MONDO:0005021, HP:0001644. Inheritance: Various modes of inheritance.

Allele frequency attached by ClinVar (database versions not stated): ExAC 0.00006; gnomAD 0.00002; gnomAD exomes 0.00003.
gnomAD v4.1: 40 of 1,548,798 alleles (0.0026%); highest among the groups gnomAD compares: South Asian, 0.042%; no homozygotes.

Submission:

Labcorp Genetics (formerly Invitae), Labcorp
Classification: Uncertain significance for Primary dilated cardiomyopathy. Last evaluated: 2025-04-20. Review status: criteria provided, single submitter. Criteria: Invitae Variant Classification Sherloc (09022015). Collection method: clinical testing. Allele origin: germline.
Comment: This sequence change falls in intron 23 of the NEBL gene. It does not directly change the encoded amino acid sequence of the NEBL protein. It affects a nucleotide within the consensus splice site. This variant is present in population databases (rs755402704, gnomAD 0.04%). This variant has not been reported in the literature in individuals affected with NEBL-related conditions. ClinVar contains an entry for this variant (Variation ID: 2769104). Variants that disrupt the consensus splice site are a relatively common cause of aberrant splicing (PMID: 17576681, 9536098). Algorithms developed to predict the effect of sequence changes on RNA splicing suggest that this variant may disrupt the consensus splice site. In summary, the available evidence is currently insufficient to determine the role of this variant in disease. Therefore, it has been classified as a Variant of Uncertain Significance.

Literature cited by the submitters: PubMed 17576681; PubMed 9536098.

NM_006393.3(NEBL):c.2346+5G>A

Gene: NEBL (nebulette; minus strand). Cytogenetic location: 10p12.31.
Variant type: single nucleotide variant.
Coding change: c.2346+5G>A on transcript NM_006393.3 (MANE Select); 5 bases into the intron after coding-DNA position 2346, G replaced by A.
Molecular consequence: intron variant.
Genome position (GRCh38, 1-based): chr10:20,813,934, C>T on the plus strand (G>A on the coding strand, the complement: NEBL is on the minus strand). VCF-style: chr10-20813934-C-T. GRCh37 (hg19) VCF-style: chr10-21102863-C-T.
Other names: c.250-994G>A (NM_001377326.1, NM_001377327.1, NM_001377328.1); c.358-994G>A (NM_213569.2, NM_001173484.2, NM_001377322.1); c.301-994G>A (NM_001377324.1); c.292-994G>A (NM_001377325.1); c.310-994G>A (NM_001377323.1).
Identifiers: ClinVar variation 2769104 (VCV002769104.3), dbSNP rs755402704, ClinGen allele CA5432521.